The following is an entry in ClinVar:

NM_007118.4(TRIO):c.2473G>C (p.Glu825Gln)

Gene: TRIO (trio Rho guanine nucleotide exchange factor; plus strand). Cytogenetic location: 5p15.2.
Variant type: single nucleotide variant.
Coding change: c.2473G>C on transcript NM_007118.4 (MANE Select); coding-DNA position 2473, G replaced by C.
Protein change: p.Glu825Gln; replaces glutamic acid 825 with glutamine.
Molecular consequence: missense variant. On other transcripts: non-coding transcript variant (1).
Genome position (GRCh38, 1-based): chr5:14,363,813, G>C. VCF-style: chr5-14363813-G-C. GRCh37 (hg19) VCF-style: chr5-14363922-G-C.
Other names: short protein forms E825Q.
Identifiers: ClinVar variation 3366034 (VCV003366034.1).

ClinVar aggregate classification (germline): Uncertain significance (1 of 4 stars; one submission).

Submission:

GeneDx
Classification: Uncertain significance. Last evaluated: 2023-10-11. Review status: criteria provided, single submitter. Criteria: GeneDx Variant Classification Process June 2021. Collection method: clinical testing. Allele origin: germline. Affected: yes.
Comment: Not observed at significant frequency in large population cohorts (gnomAD); In silico analysis supports that this missense variant has a deleterious effect on protein structure/function; Has not been previously published as pathogenic or benign to our knowledge